The following is an entry in ClinVar:

NM_001854.4(COL11A1):c.3515C>T (p.Pro1172Leu)

Gene: COL11A1 (collagen type XI alpha 1 chain; minus strand). Cytogenetic location: 1p21.1.
Variant type: single nucleotide variant.
Coding change: c.3515C>T on transcript NM_001854.4 (MANE Select); coding-DNA position 3515, C replaced by T.
Protein change: p.Pro1172Leu; replaces proline 1172 with leucine.
Molecular consequence: missense variant. On other transcripts: non-coding transcript variant (1).
Genome position (GRCh38, 1-based): chr1:102,934,534, G>A on the plus strand (C>T on the coding strand, the complement: COL11A1 is on the minus strand). VCF-style: chr1-102934534-G-A. GRCh37 (hg19) VCF-style: chr1-103400090-G-A.
Other names: c.3167C>T, p.Pro1056Leu (NM_001168249.1, NM_080630.4); c.3398C>T, p.Pro1133Leu (NM_001190709.2); c.3551C>T, p.Pro1184Leu (NM_080629.3); c.3515C>T (NM_001854.3); short protein forms P1056L, P1184L, P1133L, P1172L.
Identifiers: ClinVar variation 2585280 (VCV002585280.2), dbSNP rs2524688501, ClinGen allele CA341168107.

ClinVar aggregate classification (germline): Uncertain significance. Review status: criteria provided, multiple submitters, no conflicts (2 of 4 stars). 2 submissions from 2 submitters: Uncertain significance (2). Last evaluated 2024-10-10.

Conditions:
Stickler syndrome type 2 (STL2). Also called: COL11A1-Related Stickler Syndrome; STICKLER SYNDROME, BEADED VITREOUS TYPE; STICKLER SYNDROME, VITREOUS TYPE 2; STICKLER SYNDROME, TYPE II. Identifiers: Orphanet 828, Orphanet 90654, MedGen C1858084, MONDO:0011493, OMIM 604841.

Allele frequency attached by ClinVar (database versions not stated): gnomAD exomes below 0.00001.
gnomAD v4.1: 2 of 1,613,978 alleles (0.00012%); highest among the groups gnomAD compares: South Asian, 0.0022%; no homozygotes.

Submissions (2):

GeneDx
Classification: Uncertain significance. Last evaluated: 2024-10-10. Review status: criteria provided, single submitter. Criteria: GeneDx Variant Classification Process June 2021. Collection method: clinical testing. Allele origin: germline. Affected: yes.
Comment: Not observed at significant frequency in large population cohorts (gnomAD); In silico analysis supports that this missense variant has a deleterious effect on protein structure/function; Has not been previously published as pathogenic or benign to our knowledge

Neuberg Centre For Genomic Medicine, NCGM
Classification: Uncertain significance for Stickler syndrome type 2. Review status: criteria provided, single submitter. Criteria: ACMG Guidelines, 2015. Collection method: clinical testing. Allele origin: germline. Inheritance: Autosomal dominant inheritance. Affected: yes.
Comment: The missense variant c.3551C>T (p.Pro1184Leu) in COL11A1 gene has not been reported previously as a pathogenic variant nor as a benign variant, to our knowledge. The variant is novel (not in any individuals) in gnomAD Exomes and 1000 Genomes. The amino acid Proline at position 1184 is changed to a Leucine changing protein sequence and it might alter its composition and physico-chemical properties. The variant is predicted to be damaging by both SIFT and PolyPhen2. The residue is conserved across species. For these reasons, this variant has been classified as Uncertain Significance.